The following is an entry in ClinVar:

NM_024675.4(PALB2):c.679G>C (p.Ala227Pro)

Gene: PALB2 (partner and localizer of BRCA2; minus strand). Cytogenetic location: 16p12.2.
Variant type: single nucleotide variant.
Coding change: c.679G>C on transcript NM_024675.4 (MANE Select); coding-DNA position 679, G replaced by C.
Protein change: p.Ala227Pro; replaces alanine 227 with proline.
Molecular consequence: missense variant.
Genome position (GRCh38, 1-based): chr16:23,635,867, C>G on the plus strand (G>C on the coding strand, the complement: PALB2 is on the minus strand). VCF-style: chr16-23635867-C-G. GRCh37 (hg19) VCF-style: chr16-23647188-C-G.
Other names: short protein forms A227P.
Identifiers: ClinVar variation 830110 (VCV000830110.1), dbSNP rs1555461678, ClinGen allele CA395136427.

ClinVar aggregate classification (germline): Uncertain significance (0 of 4 stars; one submission).

Submission:

Leiden Open Variation Database
Classification: Uncertain significance. Last evaluated: 2018-10-10. Review status: no assertion criteria provided. Collection method: curation. Allele origin: germline. Affected: yes.
Comment: Curators: Marc Tischkowitz, Arleen D. Auerbach. Submitter to LOVD: Yukihide Momozawa.

Literature cited by the submitters: PubMed 30287823.